The following is an entry in ClinVar:

ClinVar aggregate classification (germline): Uncertain significance (1 of 4 stars; one submission).

Submission:

GeneDx
Classification: Uncertain significance. Last evaluated: 2021-10-29. Review status: criteria provided, single submitter. Criteria: GeneDx Variant Classification Process June 2021. Collection method: clinical testing. Allele origin: germline. Affected: yes.
Comment: Not observed at significant frequency in large population cohorts (gnomAD); In silico analysis supports that this missense variant has a deleterious effect on protein structure/function; Has not been previously published as pathogenic or benign to our knowledge

NM_031407.7(HUWE1):c.4868G>T (p.Arg1623Leu)

Gene: HUWE1 (HECT, UBA and WWE domain containing E3 ubiquitin protein ligase 1; minus strand). Cytogenetic location: Xp11.22.
Variant type: single nucleotide variant.
Coding change: c.4868G>T on transcript NM_031407.7 (MANE Select); coding-DNA position 4868, G replaced by T.
Protein change: p.Arg1623Leu; replaces arginine 1623 with leucine.
Molecular consequence: missense variant.
Genome position (GRCh38, 1-based): chrX:53,585,145, C>A on the plus strand (G>T on the coding strand, the complement: HUWE1 is on the minus strand). VCF-style: chrX-53585145-C-A. GRCh37 (hg19) VCF-style: chrX-53612105-C-A.
Other names: short protein forms R1623L.
Identifiers: ClinVar variation 1683873 (VCV001683873.2), dbSNP rs1556972093, ClinGen allele CA413175224.